The following continues an entry in ClinVar:

NM_000257.4(MYH7):c.5655G>A (p.Ala1885=)

Gene: MYH7. ClinVar aggregate classification (germline): Conflicting classifications of pathogenicity. Pathogenic (9); Likely pathogenic (4); Uncertain significance (2).

Submissions 6 to 15 of 15:

All of Us Research Program, National Institutes of Health
Classification: Uncertain significance for Cardiomyopathy. Last evaluated: 2024-06-17. Review status: criteria provided, single submitter. Criteria: ACMG Guidelines, 2015. Collection method: clinical testing. Allele origin: germline. Inheritance: Autosomal dominant inheritance. Observed: 7 variant alleles, 7 heterozygotes.
Comment: This synonymous variant alters the conserved c.G at the last nucleotide of exon 38 of the MYH7 gene and has been shown to cause aberrant splicing and in-frame skipping of exon 38 (p.1854_1885del) (PMID: 26782017, 27387980, 30794915). This variant is expected to result in the expression of a shortened protein missing a part of LMM domain, which is a C-terminal tail region that forms the thick filament backbone and interacts with other proteins (PMID: 25125180). This variant has been reported in two individuals affected with congenital myopathy without cardiac involvement (PMID: 26782017, 33333461) and in one individual affected with congenital myopathy with cardiac left bundle block (PMID: 27387980). This variant has been reported as a de novo occurrence in two affected individuals (PMID: 26782017, 27387980). This variant has not been reported in individuals affected with hypertrophic cardiomyopathy. It has been observed in three asymptomatic older adults (PMID: 34135346). This variant has been identified in 3/251438 chromosomes in the general population by the Genome Aggregation Database (gnomAD). In summary, this variant may have adverse structural impact by disrupting RNA splicing, but its impact on MYH7 protein function remains unknown. While this variant has been observed in individuals with congenital myopathy, the available evidence is insufficient to determine the role of this variant in autosomal dominant hypertrophic cardiomyopathy conclusively. Therefore, this variant is classified as a Variant of Uncertain Significance.

This study involves interpretation of variants in research participants for the purpose of population health screening. Participant phenotype was not available at the time of variant classification. Additional details can be found in publication PMID: 35346344, PMCID: PMC8962531

Blueprint Genetics
Classification: Likely pathogenic for MYH7-related disorders. Last evaluated: 2023-07-06. Review status: criteria provided, single submitter. Criteria: ACMG Guidelines, 2015. Collection method: clinical testing. Allele origin: germline. Affected: yes. Observed: 3 variant alleles.

Baylor Genetics
Classification: Pathogenic for Myopathy, myosin storage, autosomal recessive. Last evaluated: 2023-01-31. Review status: criteria provided, single submitter. Criteria: ACMG Guidelines, 2015. Collection method: clinical testing. Allele origin: unknown.

Baylor Genetics
Classification: Pathogenic for Myosin storage myopathy. Last evaluated: 2023-01-31. Review status: criteria provided, single submitter. Criteria: ACMG Guidelines, 2015. Collection method: clinical testing. Allele origin: unknown.

Baylor Genetics
Classification: Pathogenic for Dilated cardiomyopathy 1S. Last evaluated: 2023-01-31. Review status: criteria provided, single submitter. Criteria: ACMG Guidelines, 2015. Collection method: clinical testing. Allele origin: unknown.

Baylor Genetics
Classification: Pathogenic for Hypertrophic cardiomyopathy 1. Last evaluated: 2023-01-31. Review status: criteria provided, single submitter. Criteria: ACMG Guidelines, 2015. Collection method: clinical testing. Allele origin: unknown.

Baylor Genetics
Classification: Pathogenic for MYH7-related skeletal myopathy. Last evaluated: 2023-01-31. Review status: criteria provided, single submitter. Criteria: ACMG Guidelines, 2015. Collection method: clinical testing. Allele origin: unknown.

CHEO Genetics Diagnostic Laboratory, Children's Hospital of Eastern Ontario
Classification: Likely pathogenic for Cardiomyopathy. Last evaluated: 2022-04-19. Review status: criteria provided, single submitter. Criteria: ACMG Guidelines, 2015. Collection method: clinical testing. Allele origin: germline.

Laboratorio de Genetica e Diagnostico Molecular, Hospital Israelita Albert Einstein
Classification: Likely pathogenic for MYH7-related disease. Last evaluated: 2020-01-16. Review status: criteria provided, single submitter. Criteria: ACMG Guidelines, 2015. Collection method: clinical testing. Allele origin: germline.
Comment: ACMG classification criteria: PS3, PS4, PM2, PP5

Human Genome Sequencing Center Clinical Lab, Baylor College of Medicine
Classification: Likely pathogenic for Hypertrophic cardiomyopathy 1. Last evaluated: 2019-11-06. Review status: criteria provided, single submitter. Criteria: ACMG Guidelines, 2015. Collection method: clinical testing. Allele origin: germline.
Comment: The c.5655G>A (p.Ala1885=) in the MYH7 gene is a synonymous variant located in last nucleotide of exon 38, which is part of the consensus splice site for this exon. Experimental studies have shown that this variant affects proper mRNA splicing, resulting in an in-frame skipping of exon 38 and a shortening of the encoded protein by 32 amino acids (PMID: 26782017, 27387980). This variant has been reported in two individuals: one with early onset muscular weakness and fiber-type disproportion (PMID: 26782017) and a second patient with an early infantile onset of respiratory muscle impairment and left bundle branch block (PMID: 27387980). Notably, several patients with different genomic variants but identical exon 38 skipping (c.5655+1G>A, c.5655+5G>C) also demonstrate cardiac manifestations in the form of dilated cardiomyopathy and left ventricular non-compaction (PMID: 30794915, 27387980). This variant has been observed at an ultra-low frequency in the general population (gnomAD database 3/251,438). For these reasons, this variant has been classified as Likely Pathogenic.

Literature cited by the submitters: PubMed 33240318 (cited by Women's Health and Genetics/Laboratory Corporation of America, LabCorp); PubMed 33333461 (cited by 4 submitters); PubMed 34135346 (cited by 3 submitters); PubMed 36264615 (cited by Women's Health and Genetics/Laboratory Corporation of America, LabCorp); PubMed 32792077 (cited by Women's Health and Genetics/Laboratory Corporation of America, LabCorp); PubMed 27387980 (cited by 5 submitters); PubMed 34363016 (cited by Women's Health and Genetics/Laboratory Corporation of America, LabCorp); PubMed 26782017 (cited by 5 submitters); PubMed 30794915 (cited by 4 submitters); PubMed 12016059 (cited by Ambry Genetics); PubMed 16870472 (cited by Ambry Genetics); PubMed 9047366 (cited by Ambry Genetics); PubMed 17576681 (cited by Labcorp Genetics (formerly Invitae), Labcorp); PubMed 9536098 (cited by Labcorp Genetics (formerly Invitae), Labcorp); PubMed 25125180 (cited by Color Diagnostics, LLC DBA Color Health and All of Us Research Program, National Institutes of Health).